The following is an entry in ClinVar:

ClinVar aggregate classification (germline): Uncertain significance (1 of 4 stars; one submission).

Conditions:
Developmental and epileptic encephalopathy, 9 (DEE9). Also called: PCDH19-Related X-Linked Female-Limited Epilepsy with Mental Retardation; Early infantile epileptic encephalopathy 9; EPILEPSY, FEMALE-RESTRICTED, WITH MENTAL RETARDATION; JUBERG-HELLMAN SYNDROME. Identifiers: Orphanet 101039, Orphanet 2076, MedGen C1848137, MONDO:0010246, OMIM 300088. Disease mechanism: loss of function.

Submission:

Labcorp Genetics (formerly Invitae), Labcorp
Classification: Uncertain significance for Developmental and epileptic encephalopathy, 9. Last evaluated: 2016-08-29. Review status: criteria provided, single submitter. Criteria: Invitae Variant Classification Sherloc (09022015). Collection method: clinical testing. Allele origin: germline.
Comment: This sequence change replaces aspartic acid with glutamic acid at codon 445 of the PCDH19 protein (p.Asp445Glu). The aspartic acid residue is highly conserved and there is a small physicochemical difference between aspartic acid and glutamic acid. This variant is not present in population databases (ExAC no frequency) and has not been reported in the literature in individuals with a PCDH19-related disease. ClinVar contains an entry for this variant (Variation ID: 206331). Algorithms developed to predict the effect of missense changes on protein structure and function (SIFT, PolyPhen-2, Align-GVGD) all suggest that this variant is likely to be disruptive, but these predictions have not been confirmed by published functional studies. In summary, this variant is a rare missense change with uncertain impact on protein function. It has been classified as a Variant of Uncertain Significance.

NM_001184880.2(PCDH19):c.1335C>G (p.Asp445Glu)

Gene: PCDH19 (protocadherin 19; minus strand). Cytogenetic location: Xq22.1.
Variant type: single nucleotide variant.
Coding change: c.1335C>G on transcript NM_001184880.2 (MANE Select); coding-DNA position 1335, C replaced by G.
Protein change: p.Asp445Glu; replaces aspartic acid 445 with glutamic acid.
Molecular consequence: missense variant.
Genome position (GRCh38, 1-based): chrX:100,407,263, G>C on the plus strand (C>G on the coding strand, the complement: PCDH19 is on the minus strand). VCF-style: chrX-100407263-G-C. GRCh37 (hg19) VCF-style: chrX-99662261-G-C.
Other names: c.1335C>G, p.Asp445Glu (NM_001105243.2, NM_020766.3); short protein forms D445E.
Identifiers: ClinVar variation 408903 (VCV000408903.11), dbSNP rs796052815, ClinGen allele CA16616395.